The following is an entry in ClinVar:

ClinVar aggregate classification (germline): Uncertain significance (1 of 4 stars; one submission).

gnomAD v4.1: 11 of 1,538,664 alleles (0.00071%); highest among the groups gnomAD compares: Non-Finnish European, 0.00096%; no homozygotes.

Submission:

Ambry Genetics
Classification: Uncertain significance. Last evaluated: 2025-06-07. Review status: criteria provided, single submitter. Criteria: Ambry Variant Classification Scheme 2023. Collection method: clinical testing. Allele origin: germline.
Comment: The c.239G>C (p.R80P) alteration is located in exon (coding exon ) of the SH3RF3 gene. This alteration results from a G to C substitution at nucleotide position 239, causing the arginine (R) at amino acid position 80 to be replaced by a proline (P). Based on insufficient or conflicting evidence, the clinical significance of this alteration remains unclear.

NM_001099289.3(SH3RF3):c.239G>C (p.Arg80Pro)

Genes: RANBP2 (RAN binding protein 2; plus strand), SH3RF3 (SH3 domain containing ring finger 3; plus strand), SH3RF3-AS1 (SH3RF3 antisense RNA 1; minus strand). Cytogenetic location: 2q13.
Variant type: single nucleotide variant.
Coding change: c.239G>C on transcript NM_001099289.3 (MANE Select); coding-DNA position 239, G replaced by C.
Protein change: p.Arg80Pro; replaces arginine 80 with proline.
Molecular consequence: missense variant. On other transcripts: non-coding transcript variant (1).
Genome position (GRCh38, 1-based): chr2:109,129,779, G>C. VCF-style: chr2-109129779-G-C. GRCh37 (hg19) VCF-style: chr2-109746235-G-C.
Other names: short protein forms R80P.
Identifiers: ClinVar variation 3953827 (VCV003953827.1).